The following is an entry in ClinVar:

NM_005334.3(HCFC1):c.5261-17A>G

Gene: HCFC1 (host cell factor C1; minus strand). Cytogenetic location: Xq28.
Variant type: single nucleotide variant.
Coding change: c.5261-17A>G on transcript NM_005334.3 (MANE Select); 17 bases into the intron before coding-DNA position 5261, A replaced by G.
Molecular consequence: intron variant.
Genome position (GRCh38, 1-based): chrX:153,951,724, T>C on the plus strand (A>G on the coding strand, the complement: HCFC1 is on the minus strand). VCF-style: chrX-153951724-T-C. GRCh37 (hg19) VCF-style: chrX-153217175-T-C.
Identifiers: ClinVar variation 511924 (VCV000511924.9), dbSNP rs782143370, ClinGen allele CA10556820.
Genomic context (GRCh38, chrX:153,951,724, plus strand): 5'-CACAACCGGCTGGGGGGCCACAAATGTGTTGGATGGAGCCAGGCCTAGGAAGAAAGAAGG[T>C]GTCAGCGGGAAAGACTCGGGAAACCTGGCTCCCAAGTGAGACCGAGCCTCCCGTCCTGCC-3'

ClinVar aggregate classification (germline): Benign/Likely benign. Review status: criteria provided, multiple submitters, no conflicts (2 of 4 stars). 2 submissions from 2 submitters: Benign (1); Likely benign (1). Last evaluated 2024-03-14.

Conditions:
Methylmalonic acidemia with homocystinuria, type cblX (MAHCX). Also called: INTELLECTUAL DEVELOPMENTAL DISORDER, X-LINKED 3. Identifiers: Orphanet 369962, MedGen C0796208, MONDO:0010657, OMIM 309541.

Allele frequency attached by ClinVar (database versions not stated): gnomAD 0.00002; TOPMed 0.00008; ExAC 0.00012; gnomAD exomes 0.00014.
gnomAD v4.1: 26 of 1,192,981 alleles (0.0022%); highest among the groups gnomAD compares: Admixed American, 0.06%; no homozygotes.

Submissions (2):

Labcorp Genetics (formerly Invitae), Labcorp
Classification: Benign for Methylmalonic acidemia with homocystinuria, type cblX. Last evaluated: 2024-03-14. Review status: criteria provided, single submitter. Criteria: Invitae Variant Classification Sherloc (09022015). Collection method: clinical testing. Allele origin: germline.

GeneDx
Classification: Likely benign. Last evaluated: 2017-09-22. Review status: criteria provided, single submitter. Criteria: GeneDx Variant Classification (06012015). Collection method: clinical testing. Allele origin: germline. Affected: yes.
Comment: This variant is considered likely benign or benign based on one or more of the following criteria: it is a conservative change, it occurs at a poorly conserved position in the protein, it is predicted to be benign by multiple in silico algorithms, and/or has population frequency not consistent with disease.